The following is an entry in ClinVar:

ClinVar aggregate classification (germline): Uncertain significance (1 of 4 stars; one submission).

Conditions:
Epidermolysis bullosa simplex 3, localized or generalized intermediate, with BP230 deficiency (EBS3). Also called: Epidermolysis bullosa simplex due to BP230 deficiency; Epidermolysis bullosa simplex, autosomal recessive 2. Identifiers: Orphanet 412181, MedGen C3809470, MONDO:0014180, OMIM 615425.
Hereditary sensory and autonomic neuropathy type 6. Also called: Neuropathy, hereditary sensory and autonomic, type VI; HSAN VI. Identifiers: Orphanet 314381, MedGen C3539003, MONDO:0013839, OMIM 614653.

Submission:

Labcorp Genetics (formerly Invitae), Labcorp
Classification: Uncertain significance for Epidermolysis bullosa simplex 3, localized or generalized intermediate, with BP230 deficiency; Hereditary sensory and autonomic neuropathy type 6. Last evaluated: 2024-05-31. Review status: criteria provided, single submitter. Criteria: Invitae Variant Classification Sherloc (09022015). Collection method: clinical testing. Allele origin: germline.
Comment: The DST gene has multiple clinically relevant transcripts. This variant occurs in alternate transcript NM_015548.4, and corresponds to NM_001723.5:c.*46992G>A in the primary transcript. This sequence change replaces cysteine, which is neutral and slightly polar, with tyrosine, which is neutral and polar, at codon 2027 of the DST protein (p.Cys2027Tyr). This variant is not present in population databases (gnomAD no frequency). This variant has not been reported in the literature in individuals affected with DST-related conditions. Experimental studies and prediction algorithms are not available or were not evaluated, and the functional significance of this variant is currently unknown. In summary, the available evidence is currently insufficient to determine the role of this variant in disease. Therefore, it has been classified as a Variant of Uncertain Significance.

NM_001374736.1(DST):c.13949G>A (p.Cys4650Tyr)

Gene: DST (dystonin; minus strand). Cytogenetic location: 6p12.1.
Variant type: single nucleotide variant.
Coding change: c.13949G>A on transcript NM_001374736.1 (MANE Select); coding-DNA position 13949, G replaced by A.
Protein change: p.Cys4650Tyr; replaces cysteine 4650 with tyrosine.
Molecular consequence: missense variant.
Genome position (GRCh38, 1-based): chr6:56,568,525, C>T on the plus strand (G>A on the coding strand, the complement: DST is on the minus strand). VCF-style: chr6-56568525-C-T. GRCh37 (hg19) VCF-style: chr6-56433323-C-T.
Other names: c.7592G>A, p.Cys2531Tyr (NM_001144769.5); c.7178G>A, p.Cys2393Tyr (NM_001144770.2); c.13949G>A, p.Cys4650Tyr (NM_001374722.1); c.13316G>A, p.Cys4439Tyr (NM_001374729.1); c.7058G>A, p.Cys2353Tyr (NM_001374730.1, NM_001386100.1, NM_183380.4); c.13976G>A, p.Cys4659Tyr (NM_001374734.1); c.6080G>A, p.Cys2027Tyr (NM_015548.5); short protein forms C2027Y, C2353Y, C2393Y, C2531Y, C4439Y, C4650Y, C4659Y.
Identifiers: ClinVar variation 3762781 (VCV003762781.2).
Genomic context (GRCh38, chr6:56,568,525, plus strand): 5'-ATACCTGATTTAACTGCTGCTATTGCCTTTGCAGGGGTGGTCACAGCACTTATTAAGTTA[C>T]ATAGTGAGATCCCACTGTTGTTTACTTTCTGAATCTCTGGTGTTTTTAAACTCCACTTTT-3'
Protein context (NP_001361665.1, residues 4640-4660): QKVNNSGISL[Cys4650Tyr]NLISAVTTPA